The following is an entry in ClinVar:

ClinVar aggregate classification (germline): Uncertain significance. Review status: criteria provided, multiple submitters, no conflicts (2 of 4 stars). 2 submissions from 2 submitters: Uncertain significance (2). Last evaluated 2025-08-10.

Allele frequency attached by ClinVar (database versions not stated): TOPMed 0.00004; ExAC 0.00005; gnomAD exomes 0.00009.

Submissions (2):

Ambry Genetics
Classification: Uncertain significance. Last evaluated: 2025-08-10. Review status: criteria provided, single submitter. Criteria: Ambry Variant Classification Scheme 2023. Collection method: clinical testing. Allele origin: germline.

Labcorp Genetics (formerly Invitae), Labcorp
Classification: Uncertain significance. Last evaluated: 2024-04-11. Review status: criteria provided, single submitter. Criteria: Invitae Variant Classification Sherloc (09022015). Collection method: clinical testing. Allele origin: germline.
Comment: This sequence change replaces alanine, which is neutral and non-polar, with threonine, which is neutral and polar, at codon 480 of the STEAP3 protein (p.Ala480Thr). This variant is present in population databases (rs768487970, gnomAD 0.008%). This variant has not been reported in the literature in individuals affected with STEAP3-related conditions. ClinVar contains an entry for this variant (Variation ID: 2178450). Algorithms developed to predict the effect of missense changes on protein structure and function output the following: SIFT: "Not Available"; PolyPhen-2: "Benign"; Align-GVGD: "Not Available". The threonine amino acid residue is found in multiple mammalian species, which suggests that this missense change does not adversely affect protein function. In summary, the available evidence is currently insufficient to determine the role of this variant in disease. Therefore, it has been classified as a Variant of Uncertain Significance.

NM_182915.3(STEAP3):c.1468G>A (p.Ala490Thr)

Gene: STEAP3 (STEAP3 metalloreductase; plus strand). Cytogenetic location: 2q14.2.
Variant type: single nucleotide variant.
Coding change: c.1468G>A on transcript NM_182915.3 (MANE Select); coding-DNA position 1468, G replaced by A.
Protein change: p.Ala490Thr; replaces alanine 490 with threonine.
Molecular consequence: missense variant. On other transcripts: 3 prime UTR variant (1).
Genome position (GRCh38, 1-based): chr2:119,263,309, G>A. VCF-style: chr2-119263309-G-A. GRCh37 (hg19) VCF-style: chr2-120020885-G-A.
Other names: c.1438G>A, p.Ala480Thr (NM_001008410.2, NM_018234.3); c.*296G>A (NM_138637.3); c.1468G>A (NM_182915.2); short protein forms A480T, A490T.
Identifiers: ClinVar variation 2178450 (VCV002178450.5), dbSNP rs768487970, ClinGen allele CA1846945.